The following is an entry in ClinVar:

NM_000553.6(WRN):c.96+4T>C

Gene: WRN (WRN RecQ like helicase; plus strand). Cytogenetic location: 8p12.
Variant type: single nucleotide variant.
Coding change: c.96+4T>C on transcript NM_000553.6 (MANE Select); 4 bases into the intron after coding-DNA position 96, T replaced by C.
Molecular consequence: intron variant.
Genome position (GRCh38, 1-based): chr8:31,058,547, T>C. VCF-style: chr8-31058547-T-C. GRCh37 (hg19) VCF-style: chr8-30916063-T-C.
Identifiers: ClinVar variation 658890 (VCV000658890.7), dbSNP rs749390862, ClinGen allele CA4703967.

ClinVar aggregate classification (germline): Uncertain significance (1 of 4 stars; one submission).

Conditions:
Werner syndrome (WRN). Identifiers: Orphanet 902, MedGen C0043119, MONDO:0010196, OMIM 277700.

Allele frequency attached by ClinVar (database versions not stated): gnomAD 0.00001; gnomAD exomes 0.00001 and 0.00002; TOPMed 0.00001; ExAC 0.00003.
gnomAD v4.1: 9 of 1,612,674 alleles (0.00056%); highest among the groups gnomAD compares: Non-Finnish European, 0.00076%; no homozygotes.

Submission:

Labcorp Genetics (formerly Invitae), Labcorp
Classification: Uncertain significance for Werner syndrome. Last evaluated: 2024-05-21. Review status: criteria provided, single submitter. Criteria: Invitae Variant Classification Sherloc (09022015). Collection method: clinical testing. Allele origin: germline.
Comment: This sequence change falls in intron 2 of the WRN gene. It does not directly change the encoded amino acid sequence of the WRN protein. It affects a nucleotide within the consensus splice site. This variant is present in population databases (rs749390862, gnomAD 0.004%). This variant has not been reported in the literature in individuals affected with WRN-related conditions. ClinVar contains an entry for this variant (Variation ID: 658890). Variants that disrupt the consensus splice site are a relatively common cause of aberrant splicing (PMID: 17576681, 9536098). Algorithms developed to predict the effect of sequence changes on RNA splicing suggest that this variant is not likely to affect RNA splicing. In summary, the available evidence is currently insufficient to determine the role of this variant in disease. Therefore, it has been classified as a Variant of Uncertain Significance.

Literature cited by the submitters: PubMed 17576681; PubMed 9536098.